The following is an entry in ClinVar:

ClinVar aggregate classification (germline): Uncertain significance (1 of 4 stars; one submission).

Submission:

Labcorp Genetics (formerly Invitae), Labcorp
Classification: Uncertain significance. Last evaluated: 2024-03-21. Review status: criteria provided, single submitter. Criteria: Invitae Variant Classification Sherloc (09022015). Collection method: clinical testing. Allele origin: germline.
Comment: This variant, c.369_377dup, results in the insertion of 3 amino acid(s) of the HOXA13 protein (p.Ala131_Ala133dup), but otherwise preserves the integrity of the reading frame. The frequency data for this variant in the population databases is considered unreliable, as metrics indicate insufficient coverage at this position in the gnomAD database. This variant has not been reported in the literature in individuals affected with HOXA13-related conditions. In summary, the available evidence is currently insufficient to determine the role of this variant in disease. Therefore, it has been classified as a Variant of Uncertain Significance.

NM_000522.5(HOXA13):c.369_377dup (p.Ala133_Ser134insAlaAlaAla)

Genes: HOXA13 (homeobox A13; minus strand), LOC107126288 (NUP98-HOXA13 recombination region; plus strand). Cytogenetic location: 7p15.2.
Variant type: Duplication.
Coding change: c.369_377dup on transcript NM_000522.5 (MANE Select); coding-DNA positions 369 to 377, 9 bases duplicated (TGCCGCTGC; older notation c.369_377dupTGCCGCTGC).
Protein change: p.Ala133_Ser134insAlaAlaAla.
Genome position (GRCh38, 1-based): chr7:27,199,701-27,199,709, GCAGCGGCA duplicated on the plus strand (TGCCGCTGC on the coding strand, the reverse complement: HOXA13 is on the minus strand); duplicating any 9 consecutive bases within chr7:27,199,701-27,199,711 gives the same sequence; the c. name uses the placement nearest the transcript's 3' end. VCF-style (leftmost placement, unchanged base first): chr7-27199700-T-TGCAGCGGCA. GRCh37 (hg19) VCF-style: chr7-27239319-T-TGCAGCGGCA.
Identifiers: ClinVar variation 3667168 (VCV003667168.2).
Genomic context (GRCh38, chr7:27,199,700, plus strand): 5'-GCCCGCCGGGCCCGCCGGGCCGGGACCTCCCGAGGACGACGCGGCGGCGGCGGCGGCGGC[T>TGCAGCGGCA]GCAGCGGCAGCCGCGGCAGCAGCGGCGGCAGCCGACGGGGGCGCCTCCCCGGGGGCGCTG-3'